The following is an entry in ClinVar:

ClinVar aggregate classification (germline): Likely benign (0 of 4 stars; one submission).

Conditions:
PLXNA3-related disorder. Also called: PLXNA3-related condition.

Allele frequency attached by ClinVar (database versions not stated): gnomAD exomes 0.00001; gnomAD 0.00003; TOPMed 0.00003; ExAC 0.00008.
gnomAD v4.1: 19 of 1,183,389 alleles (0.0016%); highest among the groups gnomAD compares: East Asian, 0.0061%; no homozygotes.

Submission:

PreventionGenetics, part of Exact Sciences
Classification: Likely benign for PLXNA3-related condition. Last evaluated: 2022-05-05. Review status: no assertion criteria provided. Collection method: clinical testing. Allele origin: germline.
Comment: This variant is classified as likely benign based on ACMG/AMP sequence variant interpretation guidelines (Richards et al. 2015 PMID: 25741868, with internal and published modifications).

NM_017514.5(PLXNA3):c.2044-8C>T

Gene: PLXNA3 (plexin A3; plus strand). Cytogenetic location: Xq28.
Variant type: single nucleotide variant.
Coding change: c.2044-8C>T on transcript NM_017514.5 (MANE Select); 8 bases into the intron before coding-DNA position 2044, C replaced by T.
Molecular consequence: intron variant.
Genome position (GRCh38, 1-based): chrX:154,465,010, C>T. VCF-style: chrX-154465010-C-T. GRCh37 (hg19) VCF-style: chrX-153693353-C-T.
Identifiers: ClinVar variation 3054051 (VCV003054051.2), dbSNP rs782417721, ClinGen allele CA10564265.